The following is an entry in ClinVar:

NM_153332.4(ERI1):c.895T>C (p.Ser299Pro)

Gene: ERI1 (exoribonuclease 1). Cytogenetic location: 8p23.1.
Variant type: single nucleotide variant.
Coding change: c.895T>C on transcript NM_153332.4 (MANE Select); coding-DNA position 895, T replaced by C.
Protein change: p.Ser299Pro; replaces serine 299 with proline.
Molecular consequence: missense variant. On other transcripts: intron variant (1).
Genome position (GRCh38, 1-based): chr8:9,029,879, T>C. VCF-style: chr8-9029879-T-C. GRCh37 (hg19) VCF-style: chr8-8887389-T-C.
Other names: c.661T>C, p.Ser221Pro (NM_001354635.2); c.550T>C, p.Ser184Pro (NM_001354636.2); c.807+9415T>C (NM_001354638.2); short protein forms S184P, S221P, S299P.
Identifiers: ClinVar variation 1686780 (VCV001686780.6), dbSNP rs2486309230, ClinGen allele CA370261820.

ClinVar aggregate classification (germline): Likely pathogenic. Review status: criteria provided, single submitter (1 of 4 stars). 3 submissions from 3 submitters: Likely pathogenic (1). 2 of the submissions do not count toward it. Last evaluated 2024-03-03.

Conditions:
Spondyloepimetaphyseal dysplasia, Guo-Campeau type. Also called: Spondyloepimetaphyseal dysplasia, Guo-Salian type. Identifiers: MedGen C5882737, MONDO:0958006, OMIM 620663.

Submissions (3):

SIB Swiss Institute of Bioinformatics
Classification: Likely pathogenic for Spondyloepimetaphyseal dysplasia, Guo-Campeau type. Last evaluated: 2024-03-03. Review status: criteria provided, single submitter. Criteria: ACMG Guidelines, 2015. Collection method: curation. Allele origin: unknown. Affected: yes.
Comment: This variant is interpreted for Spondyloepimetaphyseal dysplasia, Guo-Campeau type, autosomal recessive. The following ACMG Tag(s) were applied: Absent from controls (or at extremely low frequency if recessive) in gnomAD (PM2). For recessive disorders, detected in trans with a pathogenic variant (PM3). Well-established functional studies show a deleterious effect (PS3-moderate).

OMIM
Classification: Pathogenic for SPONDYLOEPIMETAPHYSEAL DYSPLASIA, GUO-CAMPEAU TYPE. Last evaluated: 2024-02-08. Review status: no assertion criteria provided. Collection method: literature only. Allele origin: germline. Not counted in ClinVar's aggregate classification.

Laboratory for Bone and Joint Diseases, RIKEN
Classification: Likely pathogenic. Last evaluated: 2022-05-22. Review status: no assertion criteria provided. Collection method: research. Allele origin: maternal. Affected: yes. Not counted in ClinVar's aggregate classification.
Comment: The variant was seen in heterozygosity with the other (c.401A>G) variant.

Literature cited by the submitters: PubMed 37352860 (cited by SIB Swiss Institute of Bioinformatics and OMIM).